The following is an entry in ClinVar:

ClinVar aggregate classification (germline): Benign. Review status: criteria provided, multiple submitters, no conflicts (2 of 4 stars). 3 submissions from 3 submitters: Benign (2). 1 of the submissions does not count toward it. Last evaluated 2016-03-29.

Conditions:
HIVEP3-related disorder. Also called: HIVEP3-related condition.

Allele frequency attached by ClinVar (database versions not stated): 1000 Genomes Project 30x 0.94738; 1000 Genomes Project 0.94928; TOPMed 0.95216; gnomAD 0.95424 and 0.95718; ESP Exome Variant Server 0.95494; ExAC 0.98681; gnomAD exomes 0.98925.
gnomAD v4.1: 1,599,859 of 1,612,766 alleles (99%); highest among the groups gnomAD compares: East Asian, 100%; 794,395 homozygotes.

Submissions (3):

Laboratory for Molecular Medicine, Mass General Brigham Personalized Medicine
Classification: Benign. Last evaluated: 2016-03-29. Review status: criteria provided, single submitter. Criteria: LMM Criteria. Collection method: clinical testing. Allele origin: germline.
Comment: Variant identified in a genome or exome case(s) and assessed due to predicted null impact of the variant or pathogenic assertions in the literature or databases. Disclaimer: This variant has not undergone full assessment. The following are preliminary notes: Frequency

Breakthrough Genomics
Classification: Benign. Review status: criteria provided, single submitter. Criteria: ACMG Guidelines, 2015. Collection method: not provided. Allele origin: germline. Inheritance: Unknown mechanism. Affected: yes.

PreventionGenetics, part of Exact Sciences
Classification: Benign for HIVEP3-related condition. Last evaluated: 2019-10-28. Review status: no assertion criteria provided. Collection method: clinical testing. Allele origin: germline. Not counted in ClinVar's aggregate classification.
Comment: This variant is classified as benign based on ACMG/AMP sequence variant interpretation guidelines (Richards et al. 2015 PMID: 25741868, with internal and published modifications).

NM_024503.5(HIVEP3):c.1437C>T (p.Ser479=)

Gene: HIVEP3 (HIVEP zinc finger 3; minus strand). Cytogenetic location: 1p34.2.
Variant type: single nucleotide variant.
Coding change: c.1437C>T on transcript NM_024503.5 (MANE Select); coding-DNA position 1437, C replaced by T.
Protein change: p.Ser479=; no amino-acid change (serine 479 retained).
Molecular consequence: synonymous variant.
Genome position (GRCh38, 1-based): chr1:41,583,361, G>A on the plus strand (C>T on the coding strand, the complement: HIVEP3 is on the minus strand). VCF-style: chr1-41583361-G-A. GRCh37 (hg19) VCF-style: chr1-42049032-G-A.
Other names: c.1437C>T, p.Ser479= (NM_001127714.3).
Identifiers: ClinVar variation 402946 (VCV000402946.7), dbSNP rs2984694, ClinGen allele CA798251.